The following is an entry in ClinVar:

ClinVar aggregate classification (germline): Uncertain significance (1 of 4 stars; one submission).

Submission:

GeneDx
Classification: Uncertain significance. Last evaluated: 2023-10-12. Review status: criteria provided, single submitter. Criteria: GeneDx Variant Classification Process June 2021. Collection method: clinical testing. Allele origin: germline. Affected: yes.
Comment: Not observed at significant frequency in large population cohorts (gnomAD); In silico analysis supports that this missense variant has a deleterious effect on protein structure/function; Has not been previously published as pathogenic or benign to our knowledge

NM_001429.4(EP300):c.3685G>A (p.Glu1229Lys)

Gene: EP300 (E1A binding protein p300; plus strand). Cytogenetic location: 22q13.2.
Variant type: single nucleotide variant.
Coding change: c.3685G>A on transcript NM_001429.4 (MANE Select); coding-DNA position 3685, G replaced by A.
Protein change: p.Glu1229Lys; replaces glutamic acid 1229 with lysine.
Molecular consequence: missense variant.
Genome position (GRCh38, 1-based): chr22:41,162,736, G>A. VCF-style: chr22-41162736-G-A. GRCh37 (hg19) VCF-style: chr22-41558740-G-A.
Other names: c.3607G>A, p.Glu1203Lys (NM_001362843.2); short protein forms E1203K, E1229K.
Identifiers: ClinVar variation 3365982 (VCV003365982.1).
Genomic context (GRCh38, chr22:41,162,736, plus strand): 5'-GCTCATCTCTATCACTTTTTCTCATTGTGTCCCTTTTCTCTCCTTAGTACAATAAATAAA[G>A]AACAATTTTCCAAGAGAAAAAATGACACACTGGATCCTGAACTGTAAGTACGATCCCCTT-3'
Protein context (NP_001420.2, residues 1219-1239): PSQPQTTINK[Glu1229Lys]QFSKRKNDTL